The following is an entry in ClinVar:

NM_133433.4(NIPBL):c.4321G>A (p.Val1441Ile)

Gene: NIPBL (NIPBL cohesin loading factor; plus strand). Cytogenetic location: 5p13.2.
Variant type: single nucleotide variant.
Coding change: c.4321G>A on transcript NM_133433.4 (MANE Select); coding-DNA position 4321, G replaced by A.
Protein change: p.Val1441Ile; replaces valine 1441 with isoleucine.
Molecular consequence: missense variant.
Genome position (GRCh38, 1-based): chr5:37,008,623, G>A. VCF-style: chr5-37008623-G-A. GRCh37 (hg19) VCF-style: chr5-37008725-G-A.
Other names: c.4321G>A, p.Val1441Ile (NM_015384.5); short protein forms V1441I.
Identifiers: ClinVar variation 1739708 (VCV001739708.2), dbSNP rs727503769, ClinGen allele CA3236539.

ClinVar aggregate classification (germline): Uncertain significance (1 of 4 stars; one submission).

Conditions:
Inborn genetic diseases. Identifiers: MedGen C0950123, MeSH D030342.

Allele frequency attached by ClinVar (database versions not stated): gnomAD exomes below 0.00001; ExAC 0.00001; gnomAD 0.00001; TOPMed 0.00001.
gnomAD v4.1: 6 of 1,380,562 alleles (0.00043%); highest among the groups gnomAD compares: South Asian, 0.0012%; no homozygotes.

Submission:

Ambry Genetics
Classification: Uncertain significance for Inborn genetic diseases. Last evaluated: 2019-03-08. Review status: criteria provided, single submitter. Criteria: Ambry Variant Classification Scheme 2023. Collection method: clinical testing. Allele origin: germline.
Comment: The p.V1441I variant (also known as c.4321G>A) is located in coding exon 19 of the NIPBL gene. The valine at codon 1441 is replaced by isoleucine, an amino acid with highly similar properties. This change occurs in the first base pair of coding exon 19. This amino acid position is highly conserved in available vertebrate species; however, isoleucine is the reference amino acid in other vertebrate species. This variant did not co-segregate with disease in multiple individuals tested in our laboratory (Ambry internal data). Based on four different splice site prediction tools, this alteration is expected to abolish or weaken the native splice acceptor site; however experimental evidence is not currently available. A different alteration located at the same position, p.V1441L (c.4321G>T), has been detected as de novo in three separate individuals: one with classic Cornelia de Lange Syndrome (CdLS), and two others both with mild CdLS phenotypes (Pi&eacute; J et al. Am. J. Med. Genet. A, 2010 Apr;152A:924-9; Zhong Q et al. Genet Test Mol Biomarkers, 2012 Sep;16:1130-4; Kuzniacka A et al. J. Appl. Genet., 2013 Feb;54:27-33). In addition, the p.V1441I alteration is predicted to be benign and tolerated by PolyPhen and SIFT in silico analyses, respectively. Since supporting evidence is conflicting at this time, the clinical significance of this alteration remains unclear.

Literature cited by the submitters: PubMed 20358602; PubMed 22857006; PubMed 23254390.